The following is an entry in ClinVar:

ClinVar aggregate classification (germline): Benign/Likely benign. Review status: criteria provided, multiple submitters, no conflicts (2 of 4 stars). 8 submissions from 8 submitters: Benign (1); Likely benign (4). 3 of the submissions do not count toward it. Last evaluated 2025-12-21.

Conditions:
DNMT1-related disorder. Also called: DNMT1-related condition. Identifiers: MedGen CN381527.
Hereditary sensory neuropathy-deafness-dementia syndrome. Also called: Hereditary Sensory and Autonomic Neuropathy Type 1E (HSAN1E); HSN IE; Hereditary sensory neuropathy type IE; NEUROPATHY, HEREDITARY SENSORY, WITH HEARING LOSS AND DEMENTIA. Identifiers: Orphanet 456318, MedGen C3279885, MONDO:0013584, OMIM 614116.
Inborn genetic diseases. Identifiers: MedGen C0950123, MeSH D030342.

Allele frequency attached by ClinVar (database versions not stated): 1000 Genomes Project 0.00060; 1000 Genomes Project 30x 0.00062; ESP Exome Variant Server 0.00100; gnomAD 0.00129 and 0.00141; TOPMed 0.00164.
gnomAD v4.1: 395 of 1,613,170 alleles (0.024%); highest among the groups gnomAD compares: African/African-American, 0.43%; 1 homozygote.

Submissions (8):

Labcorp Genetics (formerly Invitae), Labcorp
Classification: Likely benign for Hereditary sensory neuropathy-deafness-dementia syndrome. Last evaluated: 2025-12-21. Review status: criteria provided, single submitter. Criteria: Invitae Variant Classification Sherloc (09022015). Collection method: clinical testing. Allele origin: germline.

Blueprint Genetics
Classification: Likely benign. Last evaluated: 2024-07-05. Review status: criteria provided, single submitter. Criteria: ACMG Guidelines, 2015. Collection method: clinical testing. Allele origin: germline.

Ambry Genetics
Classification: Likely benign for Inborn genetic diseases. Last evaluated: 2020-06-23. Review status: criteria provided, single submitter. Criteria: Ambry Variant Classification Scheme 2023. Collection method: clinical testing. Allele origin: germline.

GeneDx
Classification: Benign. Last evaluated: 2020-02-25. Review status: criteria provided, single submitter. Criteria: GeneDx Variant Classification Process June 2021. Collection method: clinical testing. Allele origin: germline. Affected: yes.

Eurofins Ntd Llc (ga)
Classification: Likely benign. Last evaluated: 2017-02-28. Review status: criteria provided, single submitter. Criteria: EGL Classification Definitions 2015. Collection method: clinical testing. Allele origin: germline. Observed: 1 variant allele, 1 heterozygote.

PreventionGenetics, part of Exact Sciences
Classification: Likely benign for DNMT1-related condition. Last evaluated: 2020-04-28. Review status: no assertion criteria provided. Collection method: clinical testing. Allele origin: germline. Not counted in ClinVar's aggregate classification.
Comment: This variant is classified as likely benign based on ACMG/AMP sequence variant interpretation guidelines (Richards et al. 2015 PMID: 25741868, with internal and published modifications).

Clinical Genetics DNA and cytogenetics Diagnostics Lab, Erasmus MC, Erasmus Medical Center
Classification: Likely benign. Review status: no assertion criteria provided. Collection method: clinical testing. Allele origin: germline. Affected: yes. Study: VKGL Data-share Consensus. Not counted in ClinVar's aggregate classification.

Laboratory of Diagnostic Genome Analysis, Leiden University Medical Center (LUMC)
Classification: Likely benign. Review status: no assertion criteria provided. Collection method: clinical testing. Allele origin: germline. Affected: yes. Study: VKGL Data-share Consensus. Not counted in ClinVar's aggregate classification.

NM_001130823.3(DNMT1):c.81-3C>T

Genes: DNMT1 (DNA methyltransferase 1; minus strand), LOC107080555 (origin of replication in DNMT1; plus strand). Cytogenetic location: 19p13.2.
Variant type: single nucleotide variant.
Coding change: c.81-3C>T on transcript NM_001130823.3 (MANE Select); 3 bases into the intron before coding-DNA position 81, C replaced by T.
Molecular consequence: intron variant.
Genome position (GRCh38, 1-based): chr19:10,182,080, G>A on the plus strand (C>T on the coding strand, the complement: DNMT1 is on the minus strand). VCF-style: chr19-10182080-G-A. GRCh37 (hg19) VCF-style: chr19-10292756-G-A.
Other names: c.-243-3C>T (NM_001318731.2); c.81-3C>T (NM_001379.4, NM_001318730.2, NM_001130823.2 and 1 more transcripts).
Identifiers: ClinVar variation 472282 (VCV000472282.23), dbSNP rs76503110, ClinGen allele CA9188849.